The following is an entry in ClinVar:

NM_005476.7(GNE):c.869T>A (p.Leu290Ter)

Gene: GNE (glucosamine (UDP-N-acetyl)-2-epimerase/N-acetylmannosamine kinase; minus strand). Cytogenetic location: 9p13.3.
Variant type: single nucleotide variant.
Coding change: c.869T>A on transcript NM_005476.7 (MANE Select); coding-DNA position 869, T replaced by A.
Protein change: p.Leu290Ter; replaces leucine 290 with a stop codon.
Molecular consequence: nonsense.
Genome position (GRCh38, 1-based): chr9:36,234,033, A>T on the plus strand (T>A on the coding strand, the complement: GNE is on the minus strand). VCF-style: chr9-36234033-A-T. GRCh37 (hg19) VCF-style: chr9-36234030-A-T.
Other names: c.962T>A, p.Leu321Ter (NM_001128227.3); c.869T>A, p.Leu290Ter (NM_001190383.3); c.539T>A, p.Leu180Ter (NM_001190384.3); c.692T>A, p.Leu231Ter (NM_001190388.2, NM_001374798.1); c.716T>A, p.Leu239Ter (NM_001374797.1); short protein forms L239*, L321*, L180*, L231*, L290*.
Identifiers: ClinVar variation 2945682 (VCV002945682.3), dbSNP rs2489716716, ClinGen allele CA373430693.

ClinVar aggregate classification (germline): Pathogenic (1 of 4 stars; one submission).

Conditions:
GNE myopathy (NM). Also called: NONAKA DISTAL MYOPATHY; INCLUSION BODY MYOPATHY, HEREDITARY, AUTOSOMAL RECESSIVE; INCLUSION BODY MYOPATHY 2, AUTOSOMAL RECESSIVE; MYOPATHY, DISTAL, WITH OR WITHOUT RIMMED VACUOLES; IBM 2; Inclusion body myopathy autosomal recessive. Identifiers: Orphanet 602, MedGen C1853926, MONDO:0011603, OMIM 605820.
Sialuria. Also called: SIALURIA, FRENCH TYPE; Sialic Acid Storage Disease. Identifiers: Orphanet 3166, MedGen C0342853, MONDO:0010028, OMIM 269921.

Submission:

Labcorp Genetics (formerly Invitae), Labcorp
Classification: Pathogenic for Sialuria; GNE myopathy. Last evaluated: 2025-04-07. Review status: criteria provided, single submitter. Criteria: Invitae Variant Classification Sherloc (09022015). Collection method: clinical testing. Allele origin: germline.
Comment: This sequence change creates a premature translational stop signal (p.Leu321*) in the GNE gene. It is expected to result in an absent or disrupted protein product. Loss-of-function variants in GNE are known to be pathogenic (PMID: 24027297). This variant is not present in population databases (gnomAD no frequency). This premature translational stop signal has been observed in individual(s) with autosomal recessive GNE-related myopathy (PMID: 21294420). This variant is also known as c.869T>A, p.L290X. ClinVar contains an entry for this variant (Variation ID: 2945682). For these reasons, this variant has been classified as Pathogenic.

Literature cited by the submitters: PubMed 24027297; PubMed 21294420.